The following is an entry in ClinVar:

NM_024496.4(IRF2BPL):c.1364C>T (p.Ser455Leu)

Gene: IRF2BPL (interferon regulatory factor 2 binding protein like; minus strand). Cytogenetic location: 14q24.3.
Variant type: single nucleotide variant.
Coding change: c.1364C>T on transcript NM_024496.4 (MANE Select); coding-DNA position 1364, C replaced by T.
Protein change: p.Ser455Leu; replaces serine 455 with leucine.
Molecular consequence: missense variant.
Genome position (GRCh38, 1-based): chr14:77,026,429, G>A on the plus strand (C>T on the coding strand, the complement: IRF2BPL is on the minus strand). VCF-style: chr14-77026429-G-A. GRCh37 (hg19) VCF-style: chr14-77492772-G-A.
Other names: short protein forms S455L.
Identifiers: ClinVar variation 1703074 (VCV001703074.3), dbSNP rs2503075798, ClinGen allele CA390494558.

ClinVar aggregate classification (germline): Uncertain significance (1 of 4 stars; one submission).

Submission:

Greenwood Genetic Center Diagnostic Laboratories, Greenwood Genetic Center
Classification: Uncertain significance. Last evaluated: 2022-05-27. Review status: criteria provided, single submitter. Criteria: ACMG Guidelines, 2015. Collection method: clinical testing. Allele origin: germline. Affected: yes.
Comment: PM2